The following is an entry in ClinVar:

ClinVar aggregate classification (germline): Uncertain significance (1 of 4 stars; one submission).

Submission:

Labcorp Genetics (formerly Invitae), Labcorp
Classification: Uncertain significance. Last evaluated: 2022-08-22. Review status: criteria provided, single submitter. Criteria: Invitae Variant Classification Sherloc (09022015). Collection method: clinical testing. Allele origin: germline.
Comment: This variant is not present in population databases (gnomAD no frequency). This sequence change replaces arginine, which is basic and polar, with glycine, which is neutral and non-polar, at codon 157 of the POC1B protein (p.Arg157Gly). This variant has not been reported in the literature in individuals affected with POC1B-related conditions. In summary, the available evidence is currently insufficient to determine the role of this variant in disease. Therefore, it has been classified as a Variant of Uncertain Significance. Advanced modeling of protein sequence and biophysical properties (such as structural, functional, and spatial information, amino acid conservation, physicochemical variation, residue mobility, and thermodynamic stability) performed at Invitae indicates that this missense variant is not expected to disrupt POC1B protein function.

NM_172240.3(POC1B):c.469A>G (p.Arg157Gly)

Genes: POC1B (POC1 centriolar protein B; minus strand), POC1B-DUSP6 (POC1B-DUSP6 readthrough; minus strand). Cytogenetic location: 12q21.33.
Variant type: single nucleotide variant.
Coding change: c.469A>G on transcript NM_172240.3 (MANE Select); coding-DNA position 469, A replaced by G.
Protein change: p.Arg157Gly; replaces arginine 157 with glycine.
Molecular consequence: missense variant. On other transcripts: non-coding transcript variant (2).
Genome position (GRCh38, 1-based): chr12:89,472,259, T>C on the plus strand (A>G on the coding strand, the complement: POC1B is on the minus strand). VCF-style: chr12-89472259-T-C. GRCh37 (hg19) VCF-style: chr12-89866036-T-C.
Other names: c.343A>G, p.Arg115Gly (NM_001199777.2); short protein forms R115G, R157G.
Identifiers: ClinVar variation 1993880 (VCV001993880.4), dbSNP rs2540446201, ClinGen allele CA385998532.